The following is an entry in ClinVar:

ClinVar aggregate classification (germline): Conflicting classifications of pathogenicity. Review status: criteria provided, conflicting classifications (1 of 4 stars). 5 submissions from 5 submitters: Uncertain significance (1); Likely benign (3). 1 of the submissions does not count toward it. Last evaluated 2025-05-01.

Conditions:
DEAF1-related disorder.
Inborn genetic diseases. Identifiers: MedGen C0950123, MeSH D030342.

Submissions (5):

CeGaT Center for Human Genetics Tuebingen
Classification: Likely benign. Last evaluated: 2025-05-01. Review status: criteria provided, single submitter. Criteria: CeGaT Center For Human Genetics Tuebingen Variant Classification Criteria Version 2. Collection method: clinical testing. Allele origin: germline. Affected: yes. Observed: 3 variant alleles.
Comment: DEAF1: BS2

Ambry Genetics
Classification: Likely benign for Inborn genetic diseases. Last evaluated: 2024-06-25. Review status: criteria provided, single submitter. Criteria: Ambry Variant Classification Scheme 2023. Collection method: clinical testing. Allele origin: germline.

Labcorp Genetics (formerly Invitae), Labcorp
Classification: Uncertain significance. Last evaluated: 2021-06-16. Review status: criteria provided, single submitter. Criteria: Invitae Variant Classification Sherloc (09022015). Collection method: clinical testing. Allele origin: germline.
Comment: This variant, c.72_95del, results in the deletion of 8 amino acid(s) of the DEAF1 protein (p.Val25_Ala32del), but otherwise preserves the integrity of the reading frame. The frequency data for this variant in the population databases is considered unreliable, as metrics indicate poor data quality at this position in the ExAC database. This variant has not been reported in the literature in individuals with DEAF1-related conditions. ClinVar contains an entry for this variant (Variation ID: 434933). Experimental studies and prediction algorithms are not available or were not evaluated, and the functional significance of this variant is currently unknown. In summary, the available evidence is currently insufficient to determine the role of this variant in disease. Therefore, it has been classified as a Variant of Uncertain Significance.

Genetic Services Laboratory, University of Chicago
Classification: Likely benign. Last evaluated: 2015-09-04. Review status: criteria provided, single submitter. Criteria: ACMG Guidelines, 2015. Collection method: clinical testing. Allele origin: germline. Affected: no.

PreventionGenetics, part of Exact Sciences
Classification: Likely benign for DEAF1-related condition. Last evaluated: 2023-11-18. Review status: no assertion criteria provided. Collection method: clinical testing. Allele origin: germline. Not counted in ClinVar's aggregate classification.
Comment: This variant is classified as likely benign based on ACMG/AMP sequence variant interpretation guidelines (Richards et al. 2015 PMID: 25741868, with internal and published modifications).

NM_021008.4(DEAF1):c.72_95del (p.Val25_Ala32del)

Gene: DEAF1 (DEAF1 transcription factor; minus strand). Cytogenetic location: 11p15.5.
Variant type: Deletion.
Coding change: c.72_95del on transcript NM_021008.4 (MANE Select); coding-DNA positions 72 to 95, 24 bases deleted (TGTGGCGGCGGCGGCCGCGGCCGC).
Protein change: p.Val25_Ala32del.
Molecular consequence: inframe deletion. On other transcripts: inframe indel (1), intron variant (1).
Genome position (GRCh38, 1-based): chr11:694,953-694,976, GCGGCCGCGGCCGCCGCCGCCACA deleted on the plus strand (TGTGGCGGCGGCGGCCGCGGCCGC on the coding strand, the reverse complement: DEAF1 is on the minus strand); deleting any 24 consecutive bases within chr11:694,953-694,991 gives the same sequence; the c. name uses the placement nearest the transcript's 3' end. VCF-style (leftmost placement, unchanged base first): chr11-694952-CGCGGCCGCGGCCGCCGCCGCCACA-C. GRCh37 (hg19) VCF-style: chr11-694952-CGCGGCCGCGGCCGCCGCCGCCACA-C.
Other names: c.57_80del24, p.Val25_Ala32del (NM_001293634.2); c.-437-3378_-437-3355del (NM_001367390.1); c.72_95del24 (NM_021008.3).
Identifiers: ClinVar variation 434933 (VCV000434933.36), dbSNP rs752994574, ClinGen allele CA5786663.
Genomic context (GRCh38, chr11:694,952, plus strand): 5'-TGCGTCCTCCTCCGAGTCCTCGTCCCTGCTCAGCACCGGCTCCTCCGCCTCGCCTCCTGC[CGCGGCCGCGGCCGCCGCCGCCACA>C]GCGGCCGCGGCCGCCACCGCCGCCGCCTCAGCCAGGCCCAGCTGCTTTGCCGCCGAGTCC-3'